The following is an entry in ClinVar:

NM_000038.6(APC):c.3412G>T (p.Asp1138Tyr)

Gene: APC (APC regulator of Wnt signaling pathway; plus strand). Cytogenetic location: 5q22.2.
Variant type: single nucleotide variant.
Coding change: c.3412G>T on transcript NM_000038.6 (MANE Select); coding-DNA position 3412, G replaced by T.
Protein change: p.Asp1138Tyr; replaces aspartic acid 1138 with tyrosine.
Molecular consequence: missense variant.
Genome position (GRCh38, 1-based): chr5:112,839,006, G>T. VCF-style: chr5-112839006-G-T. GRCh37 (hg19) VCF-style: chr5-112174703-G-T.
Other names: c.3412G>T, p.Asp1138Tyr (NM_001127510.3, NM_001354895.2, NM_001407450.1); c.3358G>T, p.Asp1120Tyr (NM_001127511.3); c.3466G>T, p.Asp1156Tyr (NM_001354896.2, NM_001407447.1, NM_001407448.1 and 1 more transcripts); c.3442G>T, p.Asp1148Tyr (NM_001354897.2); c.3337G>T, p.Asp1113Tyr (NM_001354898.2); c.3328G>T, p.Asp1110Tyr (NM_001354899.2); c.3289G>T, p.Asp1097Tyr (NM_001354900.2); c.3235G>T, p.Asp1079Tyr (NM_001354901.2, NM_001407453.1); and 11 more; short protein forms D1009Y, D1079Y, D1097Y, D1120Y, D1156Y, D855Y, D1047Y, D1055Y.
Identifiers: ClinVar variation 1731187 (VCV001731187.2), dbSNP rs587781452, ClinGen allele CA16028813.

ClinVar aggregate classification (germline): Uncertain significance (1 of 4 stars; one submission).

Conditions:
Hereditary cancer-predisposing syndrome. Also called: Neoplastic Syndromes, Hereditary; Tumor predisposition; Hereditary Cancer Syndrome; Hereditary neoplastic syndrome. Identifiers: Orphanet 140162, MedGen C0027672, MeSH D009386, MONDO:0015356.

Submission:

Ambry Genetics
Classification: Uncertain significance for Hereditary cancer-predisposing syndrome. Last evaluated: 2022-09-27. Review status: criteria provided, single submitter. Criteria: Ambry Variant Classification Scheme 2023. Collection method: clinical testing. Allele origin: germline.
Comment: The p.D1138Y variant (also known as c.3412G>T), located in coding exon 15 of the APC gene, results from a G to T substitution at nucleotide position 3412. The aspartic acid at codon 1138 is replaced by tyrosine, an amino acid with highly dissimilar properties. This amino acid position is conserved. In addition, in silico predictors for this gene do not accurately predict pathogenicity. Since supporting evidence is limited at this time, the clinical significance of this alteration remains unclear.